The following is an entry in ClinVar:

ClinVar aggregate classification (germline): Uncertain significance (1 of 4 stars; one submission).

Conditions:
Gerstmann-Straussler-Scheinker syndrome (GSD). Also called: Spongiform encephalopathy; Cerebellar ataxia, progressive dementia, and amyloid deposits in the central nervous system; Encephalopathy subacute spongiform Gerstmann-Straussler type; Spinocerebellar ataxia and plaque-like deposits; GERSTMANN-STRAUSSLER DISEASE; CEREBELLAR ATAXIA, PROGRESSIVE DEMENTIA, AND AMYLOID DEPOSITS IN CNS. Identifiers: Orphanet 356, MedGen C0017495, MONDO:0007656, OMIM 137440.

Submission:

3billion
Classification: Uncertain significance for Gerstmann-Straussler-Scheinker syndrome. Last evaluated: 2022-09-01. Review status: criteria provided, single submitter. Criteria: ACMG Guidelines, 2015. Collection method: clinical testing. Allele origin: germline. Affected: yes. Observed: 1 heterozygote.
Comment: The variant is not observed in the gnomAD v2.1.1 dataset. Missense changes are a common disease-causing mechanism. In silico tool predictions suggest damaging effect of the variant on gene or gene product (REVEL: 0.64). Therefore, this variant is classified as uncertain significance according to the recommendation of ACMG/AMP guideline.

NM_000311.5(PRNP):c.206A>T (p.His69Leu)

Gene: PRNP (prion protein (Kanno blood group); plus strand). Cytogenetic location: 20p13.
Variant type: single nucleotide variant.
Coding change: c.206A>T on transcript NM_000311.5 (MANE Select); coding-DNA position 206, A replaced by T.
Protein change: p.His69Leu; replaces histidine 69 with leucine.
Molecular consequence: missense variant. On other transcripts: synonymous variant (1).
Genome position (GRCh38, 1-based): chr20:4,699,426, A>T. VCF-style: chr20-4699426-A-T. GRCh37 (hg19) VCF-style: chr20-4680072-A-T.
Other names: c.206A>T, p.His69Leu (NM_001080121.3, NM_001080122.3, NM_001080123.3 and 1 more transcripts); c.117A>T, p.Ser39= (NM_001271561.3); short protein forms H69L.
Identifiers: ClinVar variation 1705547 (VCV001705547.1), dbSNP rs1247563362, ClinGen allele CA408151849.